The following is an entry in ClinVar:

NM_153240.5(NPHP3):c.3597G>C (p.Leu1199Phe)

Genes: NPHP3-ACAD11 (NPHP3-ACAD11 readthrough (NMD candidate); minus strand), NPHP3 (nephrocystin 3; minus strand). Cytogenetic location: 3q22.1.
Variant type: single nucleotide variant.
Coding change: c.3597G>C on transcript NM_153240.5 (MANE Select); coding-DNA position 3597, G replaced by C.
Protein change: p.Leu1199Phe; replaces leucine 1199 with phenylalanine.
Molecular consequence: missense variant. On other transcripts: non-coding transcript variant (1).
Genome position (GRCh38, 1-based): chr3:132,683,498, C>G on the plus strand (G>C on the coding strand, the complement: NPHP3 is on the minus strand). VCF-style: chr3-132683498-C-G. GRCh37 (hg19) VCF-style: chr3-132402342-C-G.
Other names: short protein forms L1199F.
Identifiers: ClinVar variation 1899374 (VCV001899374.6), dbSNP rs1355272147, ClinGen allele CA354578650.

ClinVar aggregate classification (germline): Uncertain significance. Review status: criteria provided, multiple submitters, no conflicts (2 of 4 stars). 2 submissions from 2 submitters: Uncertain significance (2). Last evaluated 2024-05-24.

Conditions:
Nephronophthisis. Also called: Juvenile Nephronophthisis. Identifiers: Orphanet 655, MedGen C0687120, MONDO:0019005, HP:0000090.
NPHP3-related Meckel-like syndrome. Also called: Meckel syndrome type 7; GOLDSTON SYNDROME. Identifiers: Orphanet 3032, MedGen C2673885, MONDO:0009966, OMIM 267010.
Renal-hepatic-pancreatic dysplasia 1 (RHPD1). Identifiers: MedGen C3715199, MONDO:0008833, OMIM 208540.
Nephronophthisis 3 (NPHP3). Also called: Adolescent nephronophthisis. Identifiers: Orphanet 655, MedGen C1858392, MONDO:0011456, OMIM 604387.

Allele frequency attached by ClinVar (database versions not stated): gnomAD exomes 0.00001; gnomAD 0.00002.
gnomAD v4.1: 14 of 1,612,812 alleles (0.00087%); highest among the groups gnomAD compares: Non-Finnish European, 0.0012%; no homozygotes.

Submissions (2):

Fulgent Genetics
Classification: Uncertain significance for Renal-hepatic-pancreatic dysplasia 1; NPHP3-related Meckel-like syndrome; Nephronophthisis 3. Last evaluated: 2024-05-24. Review status: criteria provided, single submitter. Criteria: ACMG Guidelines, 2015. Collection method: clinical testing. Allele origin: germline.

Labcorp Genetics (formerly Invitae), Labcorp
Classification: Uncertain significance for Nephronophthisis. Last evaluated: 2022-07-18. Review status: criteria provided, single submitter. Criteria: Invitae Variant Classification Sherloc (09022015). Collection method: clinical testing. Allele origin: germline.
Comment: In summary, the available evidence is currently insufficient to determine the role of this variant in disease. Therefore, it has been classified as a Variant of Uncertain Significance. Algorithms developed to predict the effect of missense changes on protein structure and function are either unavailable or do not agree on the potential impact of this missense change (SIFT: "Deleterious"; PolyPhen-2: "Probably Damaging"; Align-GVGD: "Class C0"). This variant has not been reported in the literature in individuals affected with NPHP3-related conditions. This variant is present in population databases (no rsID available, gnomAD 0.01%). This sequence change replaces leucine, which is neutral and non-polar, with phenylalanine, which is neutral and non-polar, at codon 1199 of the NPHP3 protein (p.Leu1199Phe).